The following is an entry in ClinVar:

ClinVar aggregate classification (germline): Conflicting classifications of pathogenicity. Review status: criteria provided, conflicting classifications (1 of 4 stars). 2 submissions from 2 submitters: Uncertain significance (1); Benign (1). Last evaluated 2022-05-04.

Conditions:
Cowden syndrome 6 (CWS6). Identifiers: Orphanet 201, MedGen C3554519, MONDO:0014048, OMIM 615109.

Allele frequency attached by ClinVar (database versions not stated): TOPMed below 0.00001.
gnomAD v4.1: 5 of 1,606,174 alleles (0.00031%); highest among the groups gnomAD compares: Non-Finnish European, 0.000085%; no homozygotes.

Submissions (2):

Mendelics
Classification: Benign. Last evaluated: 2022-05-04. Review status: criteria provided, single submitter. Criteria: Mendelics Assertion Criteria 2019. Collection method: clinical testing. Allele origin: germline.

Labcorp Genetics (formerly Invitae), Labcorp
Classification: Uncertain significance for Cowden syndrome 6. Last evaluated: 2022-04-22. Review status: criteria provided, single submitter. Criteria: Invitae Variant Classification Sherloc (09022015). Collection method: clinical testing. Allele origin: germline.
Comment: In summary, the available evidence is currently insufficient to determine the role of this variant in disease. Therefore, it has been classified as a Variant of Uncertain Significance. Variants that disrupt the consensus splice site are a relatively common cause of aberrant splicing (PMID: 17576681, 9536098). Algorithms developed to predict the effect of sequence changes on RNA splicing suggest that this variant is not likely to affect RNA splicing. This variant has not been reported in the literature in individuals affected with AKT1-related conditions. This variant is not present in population databases (gnomAD no frequency). This sequence change falls in intron 13 of the AKT1 gene. It does not directly change the encoded amino acid sequence of the AKT1 protein. It affects a nucleotide within the consensus splice site.

Literature cited by the submitters: PubMed 17576681 (cited by Labcorp Genetics (formerly Invitae), Labcorp); PubMed 9536098 (cited by Labcorp Genetics (formerly Invitae), Labcorp).

NM_001382430.1(AKT1):c.1364-3C>T

Gene: AKT1 (AKT serine/threonine kinase 1; minus strand). Cytogenetic location: 14q32.33.
Variant type: single nucleotide variant.
Coding change: c.1364-3C>T on transcript NM_001382430.1 (MANE Select); 3 bases into the intron before coding-DNA position 1364, C replaced by T.
Molecular consequence: intron variant.
Genome position (GRCh38, 1-based): chr14:104,770,423, G>A on the plus strand (C>T on the coding strand, the complement: AKT1 is on the minus strand). VCF-style: chr14-104770423-G-A. GRCh37 (hg19) VCF-style: chr14-105236760-G-A.
Other names: c.1364-3C>T (NM_001014431.2, NM_001014432.2, NM_001382433.1 and 3 more transcripts).
Identifiers: ClinVar variation 1686412 (VCV001686412.6), dbSNP rs113777945, ClinGen allele CA267348062.